The following is an entry in ClinVar:

ClinVar aggregate classification (germline): Uncertain significance. Review status: criteria provided, multiple submitters, no conflicts (2 of 4 stars). 5 submissions from 5 submitters: Uncertain significance (5). Last evaluated 2025-11-19.

Conditions:
Hereditary cancer-predisposing syndrome. Also called: Tumor predisposition; Neoplastic Syndromes, Hereditary; Hereditary neoplastic syndrome; Hereditary Cancer Syndrome. Identifiers: Orphanet 140162, MedGen C0027672, MeSH D009386, MONDO:0015356.
Classic or attenuated familial adenomatous polyposis. Identifiers: MedGen CN372698, MONDO:0021057.
Familial adenomatous polyposis 1 (FAP1). Also called: POLYPOSIS, ADENOMATOUS INTESTINAL; FAMILIAL ADENOMATOUS POLYPOSIS 1, ATTENUATED. Identifiers: MedGen C2713442, MONDO:0021056, OMIM 175100. Disease mechanism: loss of function.

Allele frequency attached by ClinVar (database versions not stated): gnomAD exomes below 0.00001.
gnomAD v4.1: 1 of 1,614,152 alleles (0.000062%); highest among the groups gnomAD compares: Non-Finnish European, 0.000085%; no homozygotes.

Submissions (5):

Labcorp Genetics (formerly Invitae), Labcorp
Classification: Uncertain significance for Familial adenomatous polyposis 1. Last evaluated: 2025-11-19. Review status: criteria provided, single submitter. Criteria: Invitae Variant Classification Sherloc (09022015). Collection method: clinical testing. Allele origin: germline.
Comment: This sequence change replaces histidine, which is basic and polar, with tyrosine, which is neutral and polar, at codon 1092 of the APC protein (p.His1092Tyr). This variant is not present in population databases (gnomAD no frequency). This variant has not been reported in the literature in individuals affected with APC-related conditions. ClinVar contains an entry for this variant (Variation ID: 631446). Invitae Evidence Modeling of protein sequence and biophysical properties (such as structural, functional, and spatial information, amino acid conservation, physicochemical variation, residue mobility, and thermodynamic stability) indicates that this missense variant is not expected to disrupt APC protein function with a negative predictive value of 95%. In summary, the available evidence is currently insufficient to determine the role of this variant in disease. Therefore, it has been classified as a Variant of Uncertain Significance.

Ambry Genetics
Classification: Uncertain significance for Hereditary cancer-predisposing syndrome. Last evaluated: 2025-10-22. Review status: criteria provided, single submitter. Criteria: Ambry Variant Classification Scheme 2023. Collection method: clinical testing. Allele origin: germline.
Comment: The p.H1092Y variant (also known as c.3274C>T), located in coding exon 15 of the APC gene, results from a C to T substitution at nucleotide position 3274. The histidine at codon 1092 is replaced by tyrosine, an amino acid with similar properties. This amino acid position is conserved. In addition, in silico predictors for this gene do not accurately predict pathogenicity. Based on the available evidence, the clinical significance of this variant remains unclear.

GeneDx
Classification: Uncertain significance. Last evaluated: 2024-05-06. Review status: criteria provided, single submitter. Criteria: GeneDx Variant Classification Process June 2021. Collection method: clinical testing. Allele origin: germline. Affected: yes.
Comment: Not observed at significant frequency in large population cohorts (gnomAD); In silico analysis indicates that this missense variant does not alter protein structure/function; Has not been previously published as pathogenic or benign to our knowledge

Color Diagnostics, LLC DBA Color Health
Classification: Uncertain significance for Hereditary cancer-predisposing syndrome. Last evaluated: 2024-03-06. Review status: criteria provided, single submitter. Criteria: ACMG Guidelines, 2015. Collection method: clinical testing. Allele origin: germline.
Comment: This variant is located in the APC protein. Computational prediction suggests that this variant may not impact protein structure and function (internally defined REVEL score threshold <= 0.5, PMID: 27666373). To our knowledge, functional studies have not been reported for this variant. This variant has not been reported in individuals affected with APC-related disorders in the literature. This variant has not been identified in the general population by the Genome Aggregation Database (gnomAD). The available evidence is insufficient to determine the role of this variant in disease conclusively. Therefore, this variant is classified as a Variant of Uncertain Significance.

All of Us Research Program, National Institutes of Health
Classification: Uncertain significance for Classic or attenuated familial adenomatous polyposis. Last evaluated: 2023-09-17. Review status: criteria provided, single submitter. Criteria: ACMG Guidelines, 2015. Collection method: clinical testing. Allele origin: germline. Inheritance: Autosomal dominant inheritance. Observed: 1 variant allele, 1 heterozygote.
Comment: This missense variant replaces histidine with tyrosine at codon 1092 of the APC protein. Computational prediction suggests that this variant may not impact protein structure and function (internally defined REVEL score threshold <= 0.5, PMID: 27666373). Splice site prediction tools suggest that this variant may not impact RNA splicing. To our knowledge, functional studies have not been reported for this variant. This variant has not been reported in individuals affected with hereditary cancer in the literature. This variant has not been identified in the general population by the Genome Aggregation Database (gnomAD). The available evidence is insufficient to determine the role of this variant in disease conclusively. Therefore, this variant is classified as a Variant of Uncertain Significance.

This study involves interpretation of variants in research participants for the purpose of population health screening. Participant phenotype was not available at the time of variant classification. Additional details can be found in publication PMID: 35346344, PMCID: PMC8962531

NM_000038.6(APC):c.3274C>T (p.His1092Tyr)

Gene: APC (APC regulator of Wnt signaling pathway; plus strand). Cytogenetic location: 5q22.2.
Variant type: single nucleotide variant.
Coding change: c.3274C>T on transcript NM_000038.6 (MANE Select); coding-DNA position 3274, C replaced by T.
Protein change: p.His1092Tyr; replaces histidine 1092 with tyrosine.
Molecular consequence: missense variant.
Genome position (GRCh38, 1-based): chr5:112,838,868, C>T. VCF-style: chr5-112838868-C-T. GRCh37 (hg19) VCF-style: chr5-112174565-C-T.
Other names: c.3274C>T, p.His1092Tyr (NM_001127510.3, NM_001354895.2); c.3220C>T, p.His1074Tyr (NM_001127511.3); c.3328C>T, p.His1110Tyr (NM_001354896.2); c.3304C>T, p.His1102Tyr (NM_001354897.2); c.3199C>T, p.His1067Tyr (NM_001354898.2); c.3190C>T, p.His1064Tyr (NM_001354899.2); c.3151C>T, p.His1051Tyr (NM_001354900.2); c.3097C>T, p.His1033Tyr (NM_001354901.2); and 5 more; short protein forms H1074Y, H1092Y, H1051Y, H932Y, H966Y, H1067Y, H1110Y, H1001Y.
Identifiers: ClinVar variation 631446 (VCV000631446.16), dbSNP rs1561583516, ClinGen allele CA16028521.